The following is an entry in ClinVar:

NC_000002.12:g.(?_47803414)_(47803691_?)del

Gene: MSH6 (mutS homolog 6; plus strand). Cytogenetic location: 2p16.3.
Variant type: Deletion.
Identifiers: ClinVar variation 526003 (VCV000526003.1).

ClinVar aggregate classification (germline): Pathogenic (1 of 4 stars; one submission).

Conditions:
Hereditary nonpolyposis colorectal neoplasms. Identifiers: MedGen C0009405, MeSH D003123.

Submission:

Labcorp Genetics (formerly Invitae), Labcorp
Classification: Pathogenic for Hereditary nonpolyposis colorectal neoplasms. Last evaluated: 2018-01-11. Review status: criteria provided, single submitter. Criteria: Invitae Variant Classification Sherloc (09022015). Collection method: clinical testing. Allele origin: germline.
Comment: This variant is an out-of-frame deletion of the genomic region encompassing exon 5 of the MSH6 gene. This is expected to create a premature translational stop signal and result in an absent or disrupted protein product. This variant has not been reported in the literature in individuals with MSH6-related disease. Loss-of-function variants in MSH6 are known to be pathogenic (PMID: 18269114, 24362816). For these reasons, this variant has been classified as Pathogenic.